The following is an entry in ClinVar:

ClinVar aggregate classification (germline): Likely benign (1 of 4 stars; one submission).

gnomAD v4.1: 5 of 1,613,040 alleles (0.00031%); highest among the groups gnomAD compares: Non-Finnish European, 0.00042%; no homozygotes.

Submission:

Molecular Diagnostic Laboratory for Inherited Cardiovascular Disease, Montreal Heart Institute
Classification: Likely benign. Last evaluated: 2026-03-27. Review status: criteria provided, single submitter. Criteria: ACMG Guidelines, 2015. Collection method: clinical testing. Allele origin: germline. Affected: no.
Comment: BP7

NM_001267550.2(TTN):c.11311+5202C>T

Genes: TTN (titin; minus strand), LOC126806432 (CDK7 strongly-dependent group 2 enhancer GRCh37_chr2:179611985-179613184; plus strand). Cytogenetic location: 2q31.2.
Variant type: single nucleotide variant.
Coding change: c.11311+5202C>T on transcript NM_001267550.2 (MANE Select); 5202 bases into the intron after coding-DNA position 11311, C replaced by T.
Molecular consequence: intron variant. On other transcripts: synonymous variant (1).
Genome position (GRCh38, 1-based): chr2:178,747,922, G>A on the plus strand (C>T on the coding strand, the complement: TTN is on the minus strand). VCF-style: chr2-178747922-G-A. GRCh37 (hg19) VCF-style: chr2-179612649-G-A.
Other names: c.14478C>T, p.Leu4826= (NM_133379.5); c.10222+5202C>T (NM_003319.4); c.10798+5202C>T (NM_133437.4); c.10597+5202C>T (NM_133432.3); c.10360+5202C>T (NM_133378.4, NM_001256850.1).
Identifiers: ClinVar variation 4820553 (VCV004820553.1), dbSNP rs745890971.
Genomic context (GRCh38, chr2:178,747,922, plus strand): 5'-TTGTTCACCTGGATTCTGTTGTTCTTCAGTCATCAAGAGTGGGAAGCACTGACTCAGGGA[G>A]AGCTGTCTATGGAGTGTGTCAGCTTCCTGAACATCACCTCTGTGGTCTTCCAAAGTGGCA-3'